The following is an entry in ClinVar:

NM_182914.3(SYNE2):c.9242G>A (p.Arg3081Gln)

Gene: SYNE2 (spectrin repeat containing nuclear envelope protein 2; plus strand). Cytogenetic location: 14q23.2.
Variant type: single nucleotide variant.
Coding change: c.9242G>A on transcript NM_182914.3 (MANE Select); coding-DNA position 9242, G replaced by A.
Protein change: p.Arg3081Gln; replaces arginine 3081 with glutamine.
Molecular consequence: missense variant.
Genome position (GRCh38, 1-based): chr14:64,053,155, G>A. VCF-style: chr14-64053155-G-A. GRCh37 (hg19) VCF-style: chr14-64519873-G-A.
Other names: c.9242G>A, p.Arg3081Gln (NM_015180.6); short protein forms R3081Q.
Identifiers: ClinVar variation 3451887 (VCV003451887.2).

ClinVar aggregate classification (germline): Uncertain significance. Review status: criteria provided, multiple submitters, no conflicts (2 of 4 stars). 2 submissions from 2 submitters: Uncertain significance (2). Last evaluated 2025-06-03.

Conditions:
Emery-Dreifuss muscular dystrophy 5, autosomal dominant (EDMD5). Also called: EMERY-DREIFUSS MUSCULAR DYSTROPHY 5. Identifiers: Orphanet 261, MedGen C2751805, MONDO:0013072, OMIM 612999.

gnomAD v4.1: 43 of 1,613,978 alleles (0.0027%); highest among the groups gnomAD compares: South Asian, 0.04%; 1 homozygote.

Submissions (2):

Labcorp Genetics (formerly Invitae), Labcorp
Classification: Uncertain significance for Emery-Dreifuss muscular dystrophy 5, autosomal dominant. Last evaluated: 2025-06-03. Review status: criteria provided, single submitter. Criteria: Invitae Variant Classification Sherloc (09022015). Collection method: clinical testing. Allele origin: germline.
Comment: This sequence change replaces arginine, which is basic and polar, with glutamine, which is neutral and polar, at codon 3081 of the SYNE2 protein (p.Arg3081Gln). This variant is present in population databases (rs771625597, gnomAD 0.05%), and has an allele count higher than expected for a pathogenic variant. This variant has not been reported in the literature in individuals affected with SYNE2-related conditions. ClinVar contains an entry for this variant (Variation ID: 3451887). An algorithm developed to predict the effect of missense changes on protein structure and function outputs the following: PolyPhen-2: "Benign". The glutamine amino acid residue is found in multiple mammalian species, which suggests that this missense change does not adversely affect protein function. In summary, the available evidence is currently insufficient to determine the role of this variant in disease. Therefore, it has been classified as a Variant of Uncertain Significance.

Ambry Genetics
Classification: Uncertain significance. Last evaluated: 2024-07-02. Review status: criteria provided, single submitter. Criteria: Ambry Variant Classification Scheme 2023. Collection method: clinical testing. Allele origin: germline.